The following is an entry in ClinVar:

NM_004628.5(XPC):c.1233G>A (p.Lys411=)

Gene: XPC (XPC complex subunit, DNA damage recognition and repair factor; minus strand). Cytogenetic location: 3p25.1.
Variant type: single nucleotide variant.
Coding change: c.1233G>A on transcript NM_004628.5 (MANE Select); coding-DNA position 1233, G replaced by A.
Protein change: p.Lys411=; no amino-acid change (lysine 411 retained).
Molecular consequence: synonymous variant. On other transcripts: non-coding transcript variant (2).
Genome position (GRCh38, 1-based): chr3:14,158,650, C>T on the plus strand (G>A on the coding strand, the complement: XPC is on the minus strand). VCF-style: chr3-14158650-C-T. GRCh37 (hg19) VCF-style: chr3-14200150-C-T.
Other names: c.1233G>A (NM_004628.4); c.654G>A, p.Lys218= (NM_001354726.2); c.1233G>A, p.Lys411= (NM_001354727.2, NM_001354730.2); c.1215G>A, p.Lys405= (NM_001354729.2).
Identifiers: ClinVar variation 1128034 (VCV001128034.12), dbSNP rs765965433, ClinGen allele CA2267486.

ClinVar aggregate classification (germline): Likely benign. Review status: criteria provided, single submitter (1 of 4 stars). 2 submissions from 2 submitters: Likely benign (1). 1 of the submissions does not count toward it. Last evaluated 2024-01-31.

Conditions:
XPC-related disorder. Also called: XPC-related condition.

Allele frequency attached by ClinVar (database versions not stated): gnomAD exomes below 0.00001 and 0.00002; gnomAD 0.00001 and 0.00002; ExAC 0.00002; TOPMed 0.00002.
gnomAD v4.1: 8 of 1,613,786 alleles (0.0005%); highest among the groups gnomAD compares: Admixed American, 0.0017%; no homozygotes.

Submissions (2):

Labcorp Genetics (formerly Invitae), Labcorp
Classification: Likely benign. Last evaluated: 2024-01-31. Review status: criteria provided, single submitter. Criteria: Invitae Variant Classification Sherloc (09022015). Collection method: clinical testing. Allele origin: germline.

PreventionGenetics, part of Exact Sciences
Classification: Likely benign for XPC-related condition. Last evaluated: 2019-03-12. Review status: no assertion criteria provided. Collection method: clinical testing. Allele origin: germline. Not counted in ClinVar's aggregate classification.
Comment: This variant is classified as likely benign based on ACMG/AMP sequence variant interpretation guidelines (Richards et al. 2015 PMID: 25741868, with internal and published modifications).